The following is an entry in ClinVar:

ClinVar aggregate classification (germline): Uncertain significance (1 of 4 stars; one submission).

Conditions:
Progressive myoclonic epilepsy. Also called: Myoclonus epilepsy; Progressive myoclonus epilepsy; Familial progressive myoclonic epilepsy; Myoclonic Epilepsies, Progressive. Identifiers: Orphanet 308, Orphanet 98261, MedGen C0751778, MONDO:0020074.

Submission:

Labcorp Genetics (formerly Invitae), Labcorp
Classification: Uncertain significance for Progressive myoclonic epilepsy. Last evaluated: 2020-09-23. Review status: criteria provided, single submitter. Criteria: Invitae Variant Classification Sherloc (09022015). Collection method: clinical testing. Allele origin: germline.
Comment: This variant results in a copy number gain of the genomic region encompassing the full coding sequence of the GOSR2 gene. The boundaries of this event are unknown as they extend beyond the assayed region for this gene and therefore may encompass additional genes. As the precise location of this event is unknown, it may be in tandem or it may be located elsewhere in the genome. This variant has not been reported in the literature in individuals with GOSR2-related conditions. Experimental studies and prediction algorithms are not available or were not evaluated, and the functional significance of this variant is currently unknown. In summary, the available evidence is currently insufficient to determine the role of this variant in disease. Therefore, it has been classified as a Variant of Uncertain Significance.

NC_000017.10:g.(?_45000559)_(45016126_?)dup

Gene: GOSR2 (golgi SNAP receptor complex member 2; plus strand). Cytogenetic location: 17q21.32.
Variant type: Duplication.
Identifiers: ClinVar variation 1041931 (VCV001041931.1).